The following is an entry in ClinVar:

ClinVar aggregate classification (germline): Conflicting classifications of pathogenicity. Review status: criteria provided, conflicting classifications (1 of 4 stars). 3 submissions from 3 submitters: Uncertain significance (1); Likely benign (2). Last evaluated 2024-11-10.

Conditions:
Fanconi anemia (FA). Also called: Fanconi's anemia. Identifiers: Orphanet 84, MedGen C0015625, MeSH D005199, MONDO:0019391.
Inborn genetic diseases. Identifiers: MedGen C0950123, MeSH D030342.

gnomAD v4.1: 4 of 1,614,094 alleles (0.00025%); highest among the groups gnomAD compares: Non-Finnish European, 0.00034%; no homozygotes.

Submissions (3):

Quest Diagnostics Nichols Institute San Juan Capistrano
Classification: Uncertain significance. Last evaluated: 2024-11-10. Review status: criteria provided, single submitter. Criteria: Quest Diagnostics criteria. Collection method: clinical testing. Allele origin: unknown.
Comment: The FANCA c.1542C>T (p.Ala514=) synonymous variant has not been reported in individuals with FANCA-related conditions in the published literature. It also has not been reported in large, multi-ethnic general populations (Genome Aggregation Database). Analysis of this variant using software algorithms for the prediction of the effect of nucleotide changes on splicing yielded predictions that this variant does not affect FANCA mRNA splicing. Based on the available information, we are unable to determine the clinical significance of this variant.

Ambry Genetics
Classification: Likely benign for Inborn genetic diseases. Last evaluated: 2024-10-17. Review status: criteria provided, single submitter. Criteria: Ambry Variant Classification Scheme 2023. Collection method: clinical testing. Allele origin: germline.

Labcorp Genetics (formerly Invitae), Labcorp
Classification: Likely benign for Fanconi anemia. Last evaluated: 2022-10-04. Review status: criteria provided, single submitter. Criteria: Invitae Variant Classification Sherloc (09022015). Collection method: clinical testing. Allele origin: germline.

NM_000135.4(FANCA):c.1542C>T (p.Ala514=)

Gene: FANCA (FA complementation group A; minus strand). Cytogenetic location: 16q24.3.
Variant type: single nucleotide variant.
Coding change: c.1542C>T on transcript NM_000135.4 (MANE Select); coding-DNA position 1542, C replaced by T.
Protein change: p.Ala514=; no amino-acid change (alanine 514 retained).
Molecular consequence: synonymous variant.
Genome position (GRCh38, 1-based): chr16:89,783,031, G>A on the plus strand (C>T on the coding strand, the complement: FANCA is on the minus strand). VCF-style: chr16-89783031-G-A. GRCh37 (hg19) VCF-style: chr16-89849439-G-A.
Other names: c.1542C>T (NM_000135.2, NM_000135.3); c.1542C>T, p.Ala514= (NM_001286167.3).
Identifiers: ClinVar variation 1605975 (VCV001605975.10), dbSNP rs962460972, ClinGen allele CA286579104.